The following is an entry in ClinVar:

NM_001378778.1(MPDZ):c.5952A>C (p.Gln1984His)

Gene: MPDZ (multiple PDZ domain crumbs cell polarity complex component; minus strand). Cytogenetic location: 9p23.
Variant type: single nucleotide variant.
Coding change: c.5952A>C on transcript NM_001378778.1 (MANE Select); coding-DNA position 5952, A replaced by C.
Protein change: p.Gln1984His; replaces glutamine 1984 with histidine.
Molecular consequence: missense variant.
Genome position (GRCh38, 1-based): chr9:13,109,050, T>G on the plus strand (A>C on the coding strand, the complement: MPDZ is on the minus strand). VCF-style: chr9-13109050-T-G. GRCh37 (hg19) VCF-style: chr9-13109049-T-G.
Other names: c.5853A>C, p.Gln1951His (NM_001261406.2, NM_001375416.1, NM_001375417.1 and 1 more transcripts); c.5766A>C, p.Gln1922His (NM_001261407.2, NM_001375419.1); c.5952A>C, p.Gln1984His (NM_001330637.2); c.6051A>C, p.Gln2017His (NM_001375413.1); c.5742A>C, p.Gln1914His (NM_001375420.1, NM_001375421.1, NM_001375422.1 and 2 more transcripts); c.5655A>C, p.Gln1885His (NM_001375425.1, NM_001375426.1); c.5544A>C, p.Gln1848His (NM_001375427.1); c.5865A>C, p.Gln1955His (NM_003829.5); and 1 more; short protein forms Q1955H, Q1922H, Q1984H, Q1885H, Q1951H, Q2017H, Q1848H, Q1914H.
Identifiers: ClinVar variation 1445551 (VCV001445551.4), dbSNP rs765428302, ClinGen allele CA4986015.

ClinVar aggregate classification (germline): Uncertain significance. Review status: criteria provided, multiple submitters, no conflicts (2 of 4 stars). 2 submissions from 2 submitters: Uncertain significance (2). Last evaluated 2023-06-21.

Conditions:
Inborn genetic diseases. Identifiers: MedGen C0950123, MeSH D030342.

Allele frequency attached by ClinVar (database versions not stated): gnomAD exomes 0.00001; ExAC 0.00004.
gnomAD v4.1: 32 of 1,509,656 alleles (0.0021%); highest among the groups gnomAD compares: African/African-American, 0.032%; no homozygotes.

Submissions (2):

Ambry Genetics
Classification: Uncertain significance for Inborn genetic diseases. Last evaluated: 2023-06-21. Review status: criteria provided, single submitter. Criteria: Ambry Variant Classification Scheme 2023. Collection method: clinical testing. Allele origin: germline.

Labcorp Genetics (formerly Invitae), Labcorp
Classification: Uncertain significance. Last evaluated: 2022-03-10. Review status: criteria provided, single submitter. Criteria: Invitae Variant Classification Sherloc (09022015). Collection method: clinical testing. Allele origin: germline.
Comment: This sequence change replaces glutamine, which is neutral and polar, with histidine, which is basic and polar, at codon 1955 of the MPDZ protein (p.Gln1955His). This variant is present in population databases (rs765428302, gnomAD 0.02%). This variant has not been reported in the literature in individuals affected with MPDZ-related conditions. Algorithms developed to predict the effect of missense changes on protein structure and function are either unavailable or do not agree on the potential impact of this missense change (SIFT: "Deleterious"; PolyPhen-2: "Probably Damaging"; Align-GVGD: "Class C0"). In summary, the available evidence is currently insufficient to determine the role of this variant in disease. Therefore, it has been classified as a Variant of Uncertain Significance.